The following is an entry in ClinVar:

NC_000001.10:g.(?_116275502)_(116280976_?)dup

Gene: CASQ2 (calsequestrin 2; minus strand). Cytogenetic location: 1p13.1.
Variant type: Duplication.
Identifiers: ClinVar variation 2423985 (VCV002423985.3).

ClinVar aggregate classification (germline): Uncertain significance (1 of 4 stars; one submission).

Conditions:
Catecholaminergic polymorphic ventricular tachycardia 1. Also called: VENTRICULAR TACHYCARDIA, CATECHOLAMINERGIC POLYMORPHIC, 1, WITH OR WITHOUT ATRIAL DYSFUNCTION AND/OR DILATED CARDIOMYOPATHY; RYR2-Related Catecholaminergic Polymorphic Ventricular Tachycardia; VENTRICULAR TACHYCARDIA, STRESS-INDUCED POLYMORPHIC 1. Identifiers: Orphanet 3286, MedGen C1631597, MONDO:0011484, OMIM 604772.

Submission:

Labcorp Genetics (formerly Invitae), Labcorp
Classification: Uncertain significance for Catecholaminergic polymorphic ventricular tachycardia 1. Last evaluated: 2022-04-25. Review status: criteria provided, single submitter. Criteria: Invitae Variant Classification Sherloc (09022015). Collection method: clinical testing. Allele origin: germline.
Comment: This variant results in a copy number gain of the genomic region encompassing exon(s) 4-5 of the CASQ2 gene. While the exact position of this variant cannot be determined from the data, sub-genic copy number gains are generally in tandem (PMID: 25640679). This variant is predicted to be in-frame, and likely preserves the integrity of the reading frame. This variant has not been reported in the literature in individuals affected with CASQ2-related conditions. Experimental studies and prediction algorithms are not available or were not evaluated, and the functional significance of this variant is currently unknown. In summary, the available evidence is currently insufficient to determine the role of this variant in disease. Therefore, it has been classified as a Variant of Uncertain Significance.

Literature cited by the submitters: PubMed 25640679.